The following is an entry in ClinVar:

ClinVar aggregate classification (germline): Likely benign. Review status: criteria provided, multiple submitters, no conflicts (2 of 4 stars). 2 submissions from 2 submitters: Likely benign (2). Last evaluated 2023-06-22.

Conditions:
Dilated cardiomyopathy 1G (CMD1G). Identifiers: Orphanet 154, MedGen C1858763, MONDO:0011400, OMIM 604145.
Autosomal recessive limb-girdle muscular dystrophy type 2J (LGMDR10). Also called: MUSCULAR DYSTROPHY, LIMB-GIRDLE, AUTOSOMAL RECESSIVE 10; Limb-girdle muscular dystrophy, type 2J. Identifiers: Orphanet 140922, MedGen C1837342, MONDO:0012127, OMIM 608807.

Submissions (2):

Labcorp Genetics (formerly Invitae), Labcorp
Classification: Likely benign for Dilated cardiomyopathy 1G; Autosomal recessive limb-girdle muscular dystrophy type 2J. Last evaluated: 2023-06-22. Review status: criteria provided, single submitter. Criteria: Invitae Variant Classification Sherloc (09022015). Collection method: clinical testing. Allele origin: germline.

GeneDx
Classification: Likely benign. Last evaluated: 2016-11-08. Review status: criteria provided, single submitter. Criteria: GeneDx Variant Classification (06012015). Collection method: clinical testing. Allele origin: germline. Affected: yes.
Comment: This variant is considered likely benign or benign based on one or more of the following criteria: it is a conservative change, it occurs at a poorly conserved position in the protein, it is predicted to be benign by multiple in silico algorithms, and/or has population frequency not consistent with disease.

NM_001267550.2(TTN):c.26064G>A (p.Lys8688=)

Gene: TTN (titin; minus strand). Cytogenetic location: 2q31.2.
Variant type: single nucleotide variant.
Coding change: c.26064G>A on transcript NM_001267550.2 (MANE Select); coding-DNA position 26064, G replaced by A.
Protein change: p.Lys8688=; no amino-acid change (lysine 8688 retained).
Molecular consequence: synonymous variant. On other transcripts: intron variant (3).
Genome position (GRCh38, 1-based): chr2:178,715,122, C>T on the plus strand (G>A on the coding strand, the complement: TTN is on the minus strand). VCF-style: chr2-178715122-C-T. GRCh37 (hg19) VCF-style: chr2-179579849-C-T.
Other names: c.25113G>A, p.Lys8371= (NM_001256850.1); c.22332G>A, p.Lys7444= (NM_133378.4); c.13282+22960G>A (NM_003319.4); c.13858+22960G>A (NM_133437.4); c.13657+22960G>A (NM_133432.3).
Identifiers: ClinVar variation 390368 (VCV000390368.4), dbSNP rs1057523745, ClinGen allele CA16604195.